The following is an entry in ClinVar:

ClinVar aggregate classification (germline): Uncertain significance. Review status: criteria provided, multiple submitters, no conflicts (2 of 4 stars). 5 submissions from 5 submitters: Uncertain significance (4). 1 of the submissions does not count toward it. Last evaluated 2025-09-30.

Conditions:
LAMC3-related disorder. Also called: LAMC3-related condition.

Allele frequency attached by ClinVar (database versions not stated): gnomAD exomes 0.00004 and 0.00008; 1000 Genomes Project 0.00040; gnomAD 0.00051 and 0.00054; ExAC 0.00020; 1000 Genomes Project 30x 0.00047; TOPMed 0.00057.

Submissions (5):

GeneDx
Classification: Uncertain significance. Last evaluated: 2025-09-30. Review status: criteria provided, single submitter. Criteria: GeneDx Variant Classification Process June 2021. Collection method: clinical testing. Allele origin: germline. Affected: yes.
Comment: In silico analysis suggests that this missense variant does not alter protein structure/function; Has not been previously published as pathogenic or benign to our knowledge

Blueprint Genetics
Classification: Uncertain significance. Last evaluated: 2024-02-19. Review status: criteria provided, single submitter. Criteria: ACMG Guidelines, 2015. Collection method: clinical testing. Allele origin: germline.

Labcorp Genetics (formerly Invitae), Labcorp
Classification: Uncertain significance. Last evaluated: 2022-09-01. Review status: criteria provided, single submitter. Criteria: Invitae Variant Classification Sherloc (09022015). Collection method: clinical testing. Allele origin: germline.
Comment: This sequence change replaces valine, which is neutral and non-polar, with glycine, which is neutral and non-polar, at codon 516 of the LAMC3 protein (p.Val516Gly). This variant is present in population databases (rs549607103, gnomAD 0.2%). This variant has not been reported in the literature in individuals affected with LAMC3-related conditions. ClinVar contains an entry for this variant (Variation ID: 1043768). Algorithms developed to predict the effect of missense changes on protein structure and function output the following: SIFT: "Tolerated"; PolyPhen-2: "Benign"; Align-GVGD: "Class C0". The glycine amino acid residue is found in multiple mammalian species, which suggests that this missense change does not adversely affect protein function. In summary, the available evidence is currently insufficient to determine the role of this variant in disease. Therefore, it has been classified as a Variant of Uncertain Significance.

Breakthrough Genomics
Classification: Uncertain significance. Review status: criteria provided, single submitter. Criteria: ACMG Guidelines, 2015. Collection method: not provided. Allele origin: germline. Inheritance: Autosomal recessive inheritance. Affected: yes.

PreventionGenetics, part of Exact Sciences
Classification: Likely benign for LAMC3-related condition. Last evaluated: 2022-11-21. Review status: no assertion criteria provided. Collection method: clinical testing. Allele origin: germline. Not counted in ClinVar's aggregate classification.
Comment: This variant is classified as likely benign based on ACMG/AMP sequence variant interpretation guidelines (Richards et al. 2015 PMID: 25741868, with internal and published modifications).

NM_006059.4(LAMC3):c.1547T>G (p.Val516Gly)

Gene: LAMC3 (laminin subunit gamma 3; plus strand). Cytogenetic location: 9q34.12.
Variant type: single nucleotide variant.
Coding change: c.1547T>G on transcript NM_006059.4 (MANE Select); coding-DNA position 1547, T replaced by G.
Protein change: p.Val516Gly; replaces valine 516 with glycine.
Molecular consequence: missense variant.
Genome position (GRCh38, 1-based): chr9:131,049,047, T>G. VCF-style: chr9-131049047-T-G. GRCh37 (hg19) VCF-style: chr9-133924434-T-G.
Other names: short protein forms V516G.
Identifiers: ClinVar variation 1043768 (VCV001043768.12), dbSNP rs549607103, ClinGen allele CA5287125.